The following is an entry in ClinVar:

NM_004380.3(CREBBP):c.5459A>G (p.Lys1820Arg)

Gene: CREBBP (CREB binding lysine acetyltransferase; minus strand). Cytogenetic location: 16p13.3.
Variant type: single nucleotide variant.
Coding change: c.5459A>G on transcript NM_004380.3 (MANE Select); coding-DNA position 5459, A replaced by G.
Protein change: p.Lys1820Arg; replaces lysine 1820 with arginine.
Molecular consequence: missense variant.
Genome position (GRCh38, 1-based): chr16:3,729,588, T>C on the plus strand (A>G on the coding strand, the complement: CREBBP is on the minus strand). VCF-style: chr16-3729588-T-C. GRCh37 (hg19) VCF-style: chr16-3779589-T-C.
Other names: c.5345A>G, p.Lys1782Arg (NM_001079846.1); short protein forms K1782R, K1820R.
Identifiers: ClinVar variation 2663303 (VCV002663303.2), dbSNP rs2051855275, ClinGen allele CA394556298.
Genomic context (GRCh38, chr16:3,729,588, plus strand): 5'-ACGGGGCATTTGTTTTCTTGGCAGTGCTTGGCGTGGTAGCAGCAGAGGGCGATGAGCTGC[T>C]TGCACACCGGGCAGCCCCCGTTGGTCTTGCGTTTGCAGCCCTTGGTGTGCTGCACCACCC-3'
Protein context (NP_004371.2, residues 1810-1830): RKTNGGCPVC[Lys1820Arg]QLIALCCYHA

ClinVar aggregate classification (germline): Uncertain significance. Review status: criteria provided, multiple submitters, no conflicts (2 of 4 stars). 2 submissions from 2 submitters: Uncertain significance (2). Last evaluated 2026-08-03.

Conditions:
Inborn genetic diseases. Identifiers: MedGen C0950123, MeSH D030342.

gnomAD v4.1: 2 of 1,614,212 alleles (0.00012%); highest among the groups gnomAD compares: South Asian, 0.0011%; no homozygotes.

Submissions (2):

Ambry Genetics
Classification: Uncertain significance for Inborn genetic diseases. Last evaluated: 2026-08-03. Review status: criteria provided, single submitter. Criteria: Ambry Variant Classification Scheme 2023. Collection method: clinical testing. Allele origin: germline.

GeneDx
Classification: Uncertain significance. Last evaluated: 2023-11-05. Review status: criteria provided, single submitter. Criteria: GeneDx Variant Classification Process June 2021. Collection method: clinical testing. Allele origin: germline. Affected: yes.
Comment: Not observed at significant frequency in large population cohorts (gnomAD); In silico analysis supports that this missense variant has a deleterious effect on protein structure/function; Has not been previously published as pathogenic or benign to our knowledge; This variant is associated with the following publications: (PMID: 27311832)